The following is an entry in ClinVar:

ClinVar aggregate classification (germline): Likely benign. Review status: reviewed by expert panel (3 of 4 stars). 3 submissions from 3 submitters: Likely benign (1). 2 of the submissions do not count toward it. Last evaluated 2026-05-04.

Conditions:
Inborn genetic diseases. Identifiers: MedGen C0950123, MeSH D030342.
Hereditary thrombocytopenia and hematologic cancer predisposition syndrome. Identifiers: Orphanet 71290, MedGen CN281654, MONDO:0011071.
Hereditary thrombocytopenia and hematological cancer predisposition syndrome associated with RUNX1. Also called: PLATELET DISORDER, ASPIRIN-LIKE; RUNX1 Familial Platelet Disorder with Associated Myeloid Malignancies; Familial Platelet Disorder with Propensity to Acute Myelogenous Leukemia; Familial thrombocytopenia with propensity to acute myelogenous leukemia. Identifiers: Orphanet 71290, MedGen C1832388, MeSH C563324, MONDO:0100083, OMIM 601399.

gnomAD v4.1: 1 of 1,614,016 alleles (0.000062%); highest among the groups gnomAD compares: Non-Finnish European, 0.000085%; no homozygotes.

Submissions (3):

ClinGen Myeloid Malignancy Variant Curation Expert Panel
Classification: Likely benign for Hereditary thrombocytopenia and hematologic cancer predisposition syndrome. Last evaluated: 2026-05-04. Review status: reviewed by expert panel. Criteria: ClinGen MyeloMalig ACMG Specifications V3.1. Collection method: curation. Allele origin: germline. Inheritance: Autosomal dominant inheritance.
Comment: NM_001754.5(RUNX1):c.27A>C (p.Ser9=) is a synonymous variant which has a SpliceAI score ≤ 0.20 (0.00) (BP4, BP7). This variant is completely absent from all population databases with at least 20x coverage for RUNX1 (PM2_supporting). In summary, this variant meets criteria to be classified as likely benign. ACMG/AMP criteria applied, as specified by the Myeloid Malignancy Variant Curation Expert Panel for RUNX1: BP4, BP7, PM2_supporting.

Ambry Genetics
Classification: Likely benign for Inborn genetic diseases. Last evaluated: 2025-04-22. Review status: criteria provided, single submitter. Criteria: Ambry Variant Classification Scheme 2023. Collection method: clinical testing. Allele origin: germline. Not counted in ClinVar's aggregate classification.

Labcorp Genetics (formerly Invitae), Labcorp
Classification: Likely benign for Hereditary thrombocytopenia and hematological cancer predisposition syndrome associated with RUNX1. Last evaluated: 2021-11-05. Review status: criteria provided, single submitter. Criteria: Invitae Variant Classification Sherloc (09022015). Collection method: clinical testing. Allele origin: germline. Not counted in ClinVar's aggregate classification.

NM_001754.5(RUNX1):c.27A>C (p.Ser9=)

Gene: RUNX1 (RUNX family transcription factor 1; minus strand). Cytogenetic location: 21q22.12.
Variant type: single nucleotide variant.
Coding change: c.27A>C on transcript NM_001754.5 (MANE Select); coding-DNA position 27, A replaced by C.
Protein change: p.Ser9=; no amino-acid change (serine 9 retained).
Molecular consequence: synonymous variant.
Genome position (GRCh38, 1-based): chr21:35,048,873, T>G on the plus strand (A>C on the coding strand, the complement: RUNX1 is on the minus strand). VCF-style: chr21-35048873-T-G. GRCh37 (hg19) VCF-style: chr21-36421170-T-G.
Other names: NM_001754.5(RUNX1):c.27A>C; p.Ser9=; c.27A>C (NM_001754.4).
Identifiers: ClinVar variation 1082500 (VCV001082500.13), dbSNP rs751800000, ClinGen allele CA512319211.